The following is an entry in ClinVar:

ClinVar aggregate classification (germline): Benign (1 of 4 stars; one submission).

Conditions:
Familial adenomatous polyposis 1 (FAP1). Also called: FAMILIAL ADENOMATOUS POLYPOSIS 1, ATTENUATED; POLYPOSIS, ADENOMATOUS INTESTINAL. Identifiers: MedGen C2713442, MONDO:0021056, OMIM 175100. Disease mechanism: loss of function.

Submission:

Myriad Genetics, Inc.
Classification: Benign for Familial adenomatous polyposis 1. Last evaluated: 2024-04-08. Review status: criteria provided, single submitter. Criteria: Myriad Autosomal Dominant, Autosomal Recessive and X-Linked Classification Criteria (2023). Collection method: clinical testing. Allele origin: unknown.
Comment: This variant is considered benign. This variant is a silent/synonymous amino acid change and it is not expected to impact splicing.

NM_000038.6(APC):c.6996T>G (p.Gly2332=)

Gene: APC (APC regulator of Wnt signaling pathway; plus strand). Cytogenetic location: 5q22.2.
Variant type: single nucleotide variant.
Coding change: c.6996T>G on transcript NM_000038.6 (MANE Select); coding-DNA position 6996, T replaced by G.
Protein change: p.Gly2332=; no amino-acid change (glycine 2332 retained).
Molecular consequence: synonymous variant. On other transcripts: non-coding transcript variant (2).
Genome position (GRCh38, 1-based): chr5:112,842,590, T>G. VCF-style: chr5-112842590-T-G. GRCh37 (hg19) VCF-style: chr5-112178287-T-G.
Other names: c.6996T>G, p.Gly2332= (NM_001127510.3, NM_001354895.2, NM_001407450.1); c.6942T>G, p.Gly2314= (NM_001127511.3); c.7050T>G, p.Gly2350= (NM_001354896.2, NM_001407447.1, NM_001407448.1 and 1 more transcripts); c.7026T>G, p.Gly2342= (NM_001354897.2); c.6921T>G, p.Gly2307= (NM_001354898.2); c.6912T>G, p.Gly2304= (NM_001354899.2); c.6873T>G, p.Gly2291= (NM_001354900.2); c.6819T>G, p.Gly2273= (NM_001354901.2, NM_001407453.1); and 11 more.
Identifiers: ClinVar variation 3254353 (VCV003254353.1), dbSNP rs2149977879.
Genomic context (GRCh38, chr5:112,842,590, plus strand): 5'-TGCCCAGCAACCATTAAGTAGACCTATACAGTCTCCTGGCCGAAACTCAATTTCCCCTGG[T>G]AGAAATGGAATAAGTCCTCCTAACAAATTATCTCAACTTCCAAGGACATCATCCCCTAGT-3'
Protein context (NP_000029.2, residues 2322-2342): QSPGRNSISP[Gly2332=]RNGISPPNKL